The following is an entry in ClinVar:

NM_006642.5(SDCCAG8):c.1931A>G (p.Glu644Gly)

Gene: SDCCAG8 (SHH signaling and ciliogenesis regulator SDCCAG8; plus strand). Cytogenetic location: 1q43.
Variant type: single nucleotide variant.
Coding change: c.1931A>G on transcript NM_006642.5 (MANE Select); coding-DNA position 1931, A replaced by G.
Protein change: p.Glu644Gly; replaces glutamic acid 644 with glycine.
Molecular consequence: missense variant.
Genome position (GRCh38, 1-based): chr1:243,426,504, A>G. VCF-style: chr1-243426504-A-G. GRCh37 (hg19) VCF-style: chr1-243589806-A-G.
Other names: c.1931A>G (NM_006642.3); c.1028A>G, p.Glu343Gly (NM_001350246.2, NM_001350247.2, NM_001350251.2); c.2027A>G, p.Glu676Gly (NM_001350248.2); c.1637A>G, p.Glu546Gly (NM_001350249.2); short protein forms E644G, E546G, E676G, E343G.
Identifiers: ClinVar variation 2938685 (VCV002938685.3), dbSNP rs1441286815, ClinGen allele CA345667815.
Genomic context (GRCh38, chr1:243,426,504, plus strand): 5'-TCAGTCAAGAAAAAAGGTATACATATGATAAATTGGGAAAGTTACAGAGAAGAAATGAAG[A>G]ATTGGAGGAACAGTGTGTCCAGCATGGGAGAGTACATGAGACGATGAAGCAAAGGTAATC-3'
Protein context (NP_006633.1, residues 634-654): KLGKLQRRNE[Glu644Gly]LEEQCVQHGR

ClinVar aggregate classification (germline): Uncertain significance. Review status: criteria provided, multiple submitters, no conflicts (2 of 4 stars). 2 submissions from 2 submitters: Uncertain significance (2). Last evaluated 2026-01-02.

Conditions:
Senior-Loken syndrome 7 (SLSN7). Identifiers: Orphanet 3156, MedGen C3150877, MONDO:0013326, OMIM 613615.
Bardet-Biedl syndrome 16 (BBS16). Identifiers: Orphanet 110, MedGen C3889474, MONDO:0014444, OMIM 615993.
SDCCAG8-related disorder. Also called: SDCCAG8-Related Disorders; SDCCAG8-related condition.

Allele frequency attached by ClinVar (database versions not stated): gnomAD 0.00001; TOPMed 0.00001.
gnomAD v4.1: 2 of 1,613,898 alleles (0.00012%); highest among the groups gnomAD compares: African/African-American, 0.0027%; no homozygotes.

Submissions (2):

PreventionGenetics, part of Exact Sciences
Classification: Uncertain significance for SDCCAG8-related condition. Last evaluated: 2026-01-02. Review status: criteria provided, single submitter. Criteria: ACMG Guidelines, 2015. Collection method: clinical testing. Allele origin: germline.
Comment: The SDCCAG8 c.1931A>G variant is predicted to result in the amino acid substitution p.Glu644Gly. This variant was reported in the heterozygous state in an individual with obesity (Roberts et al. 2022. PubMed ID: 35562395). This variant is reported in 0.011% of alleles in individuals of African descent in gnomAD. At this time, the clinical significance of this variant is uncertain due to the absence of conclusive functional and genetic evidence.

Labcorp Genetics (formerly Invitae), Labcorp
Classification: Uncertain significance for Bardet-Biedl syndrome 16; Senior-Loken syndrome 7. Last evaluated: 2023-12-30. Review status: criteria provided, single submitter. Criteria: Invitae Variant Classification Sherloc (09022015). Collection method: clinical testing. Allele origin: germline.
Comment: This sequence change replaces glutamic acid, which is acidic and polar, with glycine, which is neutral and non-polar, at codon 644 of the SDCCAG8 protein (p.Glu644Gly). This variant is present in population databases (no rsID available, gnomAD 0.01%). This variant has not been reported in the literature in individuals affected with SDCCAG8-related conditions. Advanced modeling of protein sequence and biophysical properties (such as structural, functional, and spatial information, amino acid conservation, physicochemical variation, residue mobility, and thermodynamic stability) has been performed at Invitae for this missense variant, however the output from this modeling did not meet the statistical confidence thresholds required to predict the impact of this variant on SDCCAG8 protein function. In summary, the available evidence is currently insufficient to determine the role of this variant in disease. Therefore, it has been classified as a Variant of Uncertain Significance.